The following is an entry in ClinVar:

ClinVar aggregate classification (germline): Conflicting classifications of pathogenicity. Review status: criteria provided, conflicting classifications (1 of 4 stars). 4 submissions from 4 submitters: Uncertain significance (1); Benign (1); Likely benign (2). Last evaluated 2026-06-28.

Conditions:
Hypertrophic cardiomyopathy 26. Also called: Cardiomyopathy, familial hypertrophic, 26. Identifiers: Orphanet 75249, MedGen C4310749, MONDO:0014883, OMIM 617047.
Myofibrillar myopathy 5. Also called: Filaminopathy (type); FILAMINOPATHY, AUTOSOMAL DOMINANT. Identifiers: Orphanet 171445, MedGen C1836050, MONDO:0012289, OMIM 609524.
Distal myopathy with posterior leg and anterior hand involvement. Also called: WILLIAMS DISTAL MYOPATHY. Identifiers: Orphanet 63273, MedGen C3279722, MONDO:0013550, OMIM 614065.
Cardiovascular phenotype. Identifiers: MedGen CN230736.
Cardiomyopathy (CMYO). Also called: Cardiomyopathies. Identifiers: Orphanet 167848, MedGen C0878544, MONDO:0004994, HP:0001638. Inheritance: Various modes of inheritance.

Allele frequency attached by ClinVar (database versions not stated): ExAC 0.00002; TOPMed 0.00004; ESP Exome Variant Server 0.00008; 1000 Genomes Project 0.00020; 1000 Genomes Project 30x 0.00031; gnomAD exomes 0.00002 and 0.00004; gnomAD 0.00004.
gnomAD v4.1: 33 of 1,613,812 alleles (0.002%); highest among the groups gnomAD compares: East Asian, 0.022%; no homozygotes.

Submissions (4):

Women's Health and Genetics/Laboratory Corporation of America, LabCorp
Classification: Benign. Last evaluated: 2026-06-28. Review status: criteria provided, single submitter. Criteria: LabCorp Variant Classification Summary - May 2015. Collection method: clinical testing. Allele origin: germline.

Labcorp Genetics (formerly Invitae), Labcorp
Classification: Likely benign for Distal myopathy with posterior leg and anterior hand involvement; Myofibrillar myopathy 5; Hypertrophic cardiomyopathy 26. Last evaluated: 2025-12-09. Review status: criteria provided, single submitter. Criteria: Invitae Variant Classification Sherloc (09022015). Collection method: clinical testing. Allele origin: germline.

Ambry Genetics
Classification: Uncertain significance for Cardiovascular phenotype. Last evaluated: 2024-12-26. Review status: criteria provided, single submitter. Criteria: Ambry Variant Classification Scheme 2023. Collection method: clinical testing. Allele origin: germline.
Comment: The c.6048C>T variant (also known as p.S2016S), located in coding exon 37 of the FLNC gene, results from a C to T substitution at nucleotide position 6048. This nucleotide substitution does not change the amino acid at codon 2016. This nucleotide position is not well conserved in available vertebrate species. In silico splice site analysis for this alteration is inconclusive. Since supporting evidence is limited at this time, the clinical significance of this alteration remains unclear.

CHEO Genetics Diagnostic Laboratory, Children's Hospital of Eastern Ontario
Classification: Likely benign for Cardiomyopathy. Last evaluated: 2022-06-24. Review status: criteria provided, single submitter. Criteria: ACMG Guidelines, 2015. Collection method: clinical testing. Allele origin: germline.

NM_001458.5(FLNC):c.6048C>T (p.Ser2016=)

Genes: FLNC (filamin C; plus strand), FLNC-AS1 (FLNC antisense RNA 1; minus strand). Cytogenetic location: 7q32.1.
Variant type: single nucleotide variant.
Coding change: c.6048C>T on transcript NM_001458.5 (MANE Select); coding-DNA position 6048, C replaced by T.
Protein change: p.Ser2016=; no amino-acid change (serine 2016 retained).
Molecular consequence: synonymous variant.
Genome position (GRCh38, 1-based): chr7:128,852,871, C>T. VCF-style: chr7-128852871-C-T. GRCh37 (hg19) VCF-style: chr7-128492925-C-T.
Other names: c.5949C>T, p.Ser1983= (NM_001127487.2).
Identifiers: ClinVar variation 1118725 (VCV001118725.14), dbSNP rs369991887, ClinGen allele CA4475878.